The following is an entry in ClinVar:

ClinVar aggregate classification (germline): Uncertain significance (1 of 4 stars; one submission).

Allele frequency attached by ClinVar (database versions not stated): gnomAD 0.00001; ExAC 0.00002; TOPMed 0.00002; gnomAD exomes 0.00003.
gnomAD v4.1: 43 of 1,590,686 alleles (0.0027%); highest among the groups gnomAD compares: African/African-American, 0.004%; no homozygotes.

Submission:

Labcorp Genetics (formerly Invitae), Labcorp
Classification: Uncertain significance. Last evaluated: 2022-06-04. Review status: criteria provided, single submitter. Criteria: Invitae Variant Classification Sherloc (09022015). Collection method: clinical testing. Allele origin: germline.
Comment: This sequence change replaces serine, which is neutral and polar, with asparagine, which is neutral and polar, at codon 4284 of the PCLO protein (p.Ser4284Asn). This variant is present in population databases (rs764429661, gnomAD 0.008%). This variant has not been reported in the literature in individuals affected with PCLO-related conditions. Algorithms developed to predict the effect of missense changes on protein structure and function are either unavailable or do not agree on the potential impact of this missense change (SIFT: "Tolerated"; PolyPhen-2: "Not Available"; Align-GVGD: "Class C0"). In summary, the available evidence is currently insufficient to determine the role of this variant in disease. Therefore, it has been classified as a Variant of Uncertain Significance.

NM_033026.6(PCLO):c.12851G>A (p.Ser4284Asn)

Gene: PCLO (piccolo presynaptic cytomatrix protein; minus strand). Cytogenetic location: 7q21.11.
Variant type: single nucleotide variant.
Coding change: c.12851G>A on transcript NM_033026.6 (MANE Select); coding-DNA position 12851, G replaced by A.
Protein change: p.Ser4284Asn; replaces serine 4284 with asparagine.
Molecular consequence: missense variant.
Genome position (GRCh38, 1-based): chr7:82,915,135, C>T on the plus strand (G>A on the coding strand, the complement: PCLO is on the minus strand). VCF-style: chr7-82915135-C-T. GRCh37 (hg19) VCF-style: chr7-82544451-C-T.
Other names: c.12851G>A, p.Ser4284Asn (NM_014510.3); short protein forms S4284N.
Identifiers: ClinVar variation 2051490 (VCV002051490.1), dbSNP rs764429661, ClinGen allele CA4319295.